The following is an entry in ClinVar:

ClinVar aggregate classification (germline): Likely benign. Review status: criteria provided, multiple submitters, no conflicts (2 of 4 stars). 2 submissions from 2 submitters: Likely benign (2). Last evaluated 2025-10-01.

Allele frequency attached by ClinVar (database versions not stated): gnomAD exomes below 0.00001; ExAC 0.00001.
gnomAD v4.1: 2 of 1,614,064 alleles (0.00012%); highest among the groups gnomAD compares: Non-Finnish European, 0.00017%; no homozygotes.

Submissions (2):

Labcorp Genetics (formerly Invitae), Labcorp
Classification: Likely benign. Last evaluated: 2025-10-01. Review status: criteria provided, single submitter. Criteria: Invitae Variant Classification Sherloc (09022015). Collection method: clinical testing. Allele origin: germline.

GeneDx
Classification: Likely benign. Last evaluated: 2018-04-09. Review status: criteria provided, single submitter. Criteria: GeneDx Variant Classification (06012015). Collection method: clinical testing. Allele origin: germline. Affected: yes.
Comment: This variant is considered likely benign or benign based on one or more of the following criteria: it is a conservative change, it occurs at a poorly conserved position in the protein, it is predicted to be benign by multiple in silico algorithms, and/or has population frequency not consistent with disease.

NM_014049.5(ACAD9):c.454-5T>C

Gene: ACAD9 (acyl-CoA dehydrogenase family member 9; plus strand). Cytogenetic location: 3q21.3.
Variant type: single nucleotide variant.
Coding change: c.454-5T>C on transcript NM_014049.5 (MANE Select); 5 bases into the intron before coding-DNA position 454, T replaced by C.
Molecular consequence: intron variant.
Genome position (GRCh38, 1-based): chr3:128,896,431, T>C. VCF-style: chr3-128896431-T-C. GRCh37 (hg19) VCF-style: chr3-128615274-T-C.
Identifiers: ClinVar variation 681131 (VCV000681131.4), dbSNP rs750934273, ClinGen allele CA2601158.